The following is an entry in ClinVar:

NM_007294.4(BRCA1):c.1601dup (p.Thr536fs)

Gene: BRCA1 (BRCA1 DNA repair associated; minus strand). Cytogenetic location: 17q21.31.
Variant type: Duplication.
Coding change: c.1601dup on transcript NM_007294.4 (MANE Select); coding-DNA position 1601, one base duplicated (A; older notation c.1601dupA).
Protein change: p.Thr536fs; shifts the reading frame from threonine 536.
Molecular consequence: frameshift variant. On other transcripts: intron variant (137).
Genome position (GRCh38, 1-based): chr17:43,093,930, T duplicated on the plus strand (A on the coding strand, the reverse complement: BRCA1 is on the minus strand). VCF-style (leftmost placement, unchanged base first): chr17-43093929-C-CT. GRCh37 (hg19) VCF-style: chr17-41245946-C-CT.
Other names: 1720insA-Ter537; c.1601dupA (NM_007294.3); c.643+814dup (NM_001408465.1, NM_001408463.1, NM_001408462.1 and 3 more transcripts); c.577+814dup (NM_001408482.1, NM_001408484.1, NM_001408478.1 and 9 more transcripts); c.520+814dup (NM_001408504.1, NM_001408503.1, NM_001408505.1); c.523+814dup (NM_001408499.1, NM_001408498.1, NM_001408501.1 and 3 more transcripts); c.670+1916dup (NM_001408422.1, NM_001408418.1, NM_001408423.1 and 2 more transcripts); c.706+814dup (NM_001408416.1, NM_001408413.1); and 42 more; short protein forms T536fs, T489fs, T368fs, T408fs, T409fs, T425fs, T469fs, T240fs.
Identifiers: ClinVar variation 54305 (VCV000054305.7), dbSNP rs397508889, ClinGen allele CA327756.

ClinVar aggregate classification (germline): Pathogenic. Review status: reviewed by expert panel (3 of 4 stars). 2 submissions from 2 submitters: Pathogenic (1). 1 of the submissions does not count toward it. Last evaluated 2016-10-18.

Conditions:
Breast-ovarian cancer, familial, susceptibility to, 1 (BROVCA1). Also called: OVARIAN CANCER, SUSCEPTIBILITY TO; BRCA1 Hereditary Breast and Ovarian Cancer. Identifiers: Orphanet 145, MedGen C2676676, MONDO:0011450, OMIM 604370. Disease mechanism: loss of function.

Submissions (2):

Evidence-based Network for the Interpretation of Germline Mutant Alleles (ENIGMA)
Classification: Pathogenic for Breast-ovarian cancer, familial, susceptibility to, 1. Last evaluated: 2016-10-18. Review status: reviewed by expert panel. Criteria: ENIGMA BRCA1/2 Classification Criteria (2015). Collection method: curation. Allele origin: germline.
Comment: Variant allele predicted to encode a truncated non-functional protein.

Consortium of Investigators of Modifiers of BRCA1/2 (CIMBA), c/o University of Cambridge
Classification: Pathogenic for Breast-ovarian cancer, familial, susceptibility to, 1. Last evaluated: 2015-10-02. Review status: criteria provided, single submitter. Criteria: CIMBA Mutation Classification guidelines May 2016. Collection method: clinical testing. Allele origin: germline. Not counted in ClinVar's aggregate classification.